The following is an entry in ClinVar:

ClinVar aggregate classification (germline): Benign. Review status: criteria provided, multiple submitters, no conflicts (2 of 4 stars). 8 submissions from 6 submitters: Benign (8). Last evaluated 2026-02-04.

Conditions:
Amelogenesis imperfecta type 1A. Also called: AMELOGENESIS IMPERFECTA, HYPOPLASTIC TYPE IA; Amelogenesis imperfecta local hypoplastic; Amelogenesis imperfecta, hypoplastic type; Amelogenesis imperfecta, type IA. Identifiers: Orphanet 88661, MedGen C4011403, MONDO:0007094, OMIM 104530.
Junctional epidermolysis bullosa. Identifiers: Orphanet 305, MedGen C0079301, MONDO:0017612.
Junctional epidermolysis bullosa, non-Herlitz type. Also called: Epidermolysis bullosa, junctional, non-herlitz type, somatic mosaic revertant; EPIDERMOLYSIS BULLOSA JUNCTIONALIS, DISENTIS TYPE; EPIDERMOLYSIS BULLOSA JUNCTIONALIS, NON-HERLITZ TYPE; EPIDERMOLYSIS BULLOSA JUNCTIONALIS, PROGRESSIVE; EPIDERMOLYSIS BULLOSA JUNCTIONALIS, SEVERE NONLETHAL; COL17A1-Related Junctional Epidermolysis Bullosa. Identifiers: Orphanet 251393, Orphanet 79402, Orphanet 79405, Orphanet 89840, MedGen C0268374, MONDO:0009180, OMIM 226650.
Junctional epidermolysis bullosa gravis of Herlitz. Also called: EPIDERMOLYSIS BULLOSA JUNCTIONALIS, HERLITZ TYPE; EPIDERMOLYSIS BULLOSA, JUNCTIONAL, HERLITZ-PEARSON TYPE; JEB-HERLITZ TYPE; Herlitz-type junctional epidermolysis bullosa; Epidermolysis Bullosa Letalis; EPIDERMOLYSIS BULLOSA, JUNCTIONAL 1B, SEVERE. Identifiers: Orphanet 79404, MedGen C0079683, MONDO:0009182, OMIM 226700.

Allele frequency attached by ClinVar (database versions not stated): gnomAD exomes 0.13165 and 0.06210; TOPMed 0.15466; 1000 Genomes Project 30x 0.25156; 1000 Genomes Project 0.25519; ESP Exome Variant Server 0.10395; gnomAD 0.12644 and 0.13128; ExAC 0.12785.
gnomAD v4.1: 112,210 of 1,613,446 alleles (7%); highest among the groups gnomAD compares: East Asian, 58%; 14,383 homozygotes.

Submissions (8):

Labcorp Genetics (formerly Invitae), Labcorp
Classification: Benign. Last evaluated: 2026-02-04. Review status: criteria provided, single submitter. Criteria: Invitae Variant Classification Sherloc (09022015). Collection method: clinical testing. Allele origin: germline.

Blueprint Genetics
Classification: Benign. Last evaluated: 2024-11-26. Review status: criteria provided, single submitter. Criteria: ACMG Guidelines, 2015. Collection method: clinical testing. Allele origin: germline.

Genome-Nilou Lab
Classification: Benign for Amelogenesis imperfecta type 1A. Last evaluated: 2021-07-08. Review status: criteria provided, single submitter. Criteria: ACMG Guidelines, 2015. Collection method: clinical testing. Allele origin: germline. Affected: no.

Genome-Nilou Lab
Classification: Benign for Junctional epidermolysis bullosa gravis of Herlitz. Last evaluated: 2021-07-08. Review status: criteria provided, single submitter. Criteria: ACMG Guidelines, 2015. Collection method: clinical testing. Allele origin: germline. Affected: no.

Genome-Nilou Lab
Classification: Benign for Junctional epidermolysis bullosa, non-Herlitz type. Last evaluated: 2021-07-08. Review status: criteria provided, single submitter. Criteria: ACMG Guidelines, 2015. Collection method: clinical testing. Allele origin: germline. Affected: no.

Illumina Laboratory Services, Illumina
Classification: Benign for Junctional epidermolysis bullosa. Last evaluated: 2018-01-13. Review status: criteria provided, single submitter. Criteria: ICSL Variant Classification Criteria 13 December 2019. Collection method: clinical testing. Allele origin: germline.
Comment: This variant was observed in the ICSL laboratory as part of a predisposition screen in an ostensibly healthy population. It had not been previously curated by ICSL or reported in the Human Gene Mutation Database (HGMD: prior to June 1st, 2018), and was therefore a candidate for classification through an automated scoring system. Utilizing variant allele frequency, disease prevalence and penetrance estimates, and inheritance mode, an automated score was calculated to assess if this variant is too frequent to cause the disease. Based on the score and internal cut-off values, a variant classified as benign is not then subjected to further curation. The score for this variant resulted in a classification of benign for this disease.

Breakthrough Genomics
Classification: Benign. Review status: criteria provided, single submitter. Criteria: ACMG Guidelines, 2015. Collection method: not provided. Allele origin: germline. Inheritance: Autosomal recessive inheritance. Affected: yes.

PreventionGenetics, part of Exact Sciences
Classification: Benign. Review status: criteria provided, single submitter. Criteria: ACMG Guidelines, 2015. Collection method: clinical testing. Allele origin: germline.

NM_000228.3(LAMB3):c.1579G>A (p.Val527Met)

Gene: LAMB3 (laminin subunit beta 3; minus strand). Cytogenetic location: 1q32.2.
Variant type: single nucleotide variant.
Coding change: c.1579G>A on transcript NM_000228.3 (MANE Select); coding-DNA position 1579, G replaced by A.
Protein change: p.Val527Met; replaces valine 527 with methionine.
Molecular consequence: missense variant.
Genome position (GRCh38, 1-based): chr1:209,626,885, C>T on the plus strand (G>A on the coding strand, the complement: LAMB3 is on the minus strand). VCF-style: chr1-209626885-C-T. GRCh37 (hg19) VCF-style: chr1-209800230-C-T.
Other names: c.1579G>A, p.Val527Met (NM_001017402.2, NM_001127641.1); short protein forms V527M.
Identifiers: ClinVar variation 255586 (VCV000255586.19), dbSNP rs2076349, ClinGen allele CA1375540.